The following is an entry in ClinVar:

ClinVar aggregate classification (germline): not provided (0 of 4 stars; one submission).

Submission:

ITMI
No classification provided. Condition: AllHighlyPenetrant. Last evaluated: 2013-09-19. Review status: no classification provided. Collection method: reference population. Allele origin: germline.
Comment: Please see associated publication for description of ethnicities

Literature cited by the submitters: PubMed 24728327.

NM_005631.5(SMO):c.99C>G (p.Ser33Arg)

Genes: SMO (smoothened, frizzled class receptor; plus strand), LOC129999303 (ATAC-STARR-seq lymphoblastoid silent region 18626; plus strand). Cytogenetic location: 7q32.1.
Variant type: single nucleotide variant.
Coding change: c.99C>G on transcript NM_005631.5 (MANE Select); coding-DNA position 99, C replaced by G.
Protein change: p.Ser33Arg; replaces serine 33 with arginine.
Molecular consequence: missense variant.
Genome position (GRCh38, 1-based): chr7:129,189,250, C>G. VCF-style: chr7-129189250-C-G. GRCh37 (hg19) VCF-style: chr7-128829091-C-G.
Other names: c.99C>G, p.Ser33Arg (LRG_1393t1); short protein forms S33R.
Identifiers: ClinVar variation 135258 (VCV000135258.1), dbSNP rs587778687, ClinGen allele CA162162.